The following is an entry in ClinVar:

NM_018723.4(RBFOX1):c.212C>A (p.Thr71Lys)

Gene: RBFOX1 (RNA binding fox-1 homolog 1; plus strand). Cytogenetic location: 16p13.3.
Variant type: single nucleotide variant.
Coding change: c.212C>A on transcript NM_018723.4 (MANE Select); coding-DNA position 212, C replaced by A.
Protein change: p.Thr71Lys; replaces threonine 71 with lysine.
Molecular consequence: missense variant.
Genome position (GRCh38, 1-based): chr16:7,518,331, C>A. VCF-style: chr16-7518331-C-A. GRCh37 (hg19) VCF-style: chr16-7568333-C-A.
Other names: c.212C>A, p.Thr71Lys (NM_001142333.2, NM_001142334.2, NM_001364800.2); c.341C>A, p.Thr114Lys (NM_001308117.1); c.272C>A, p.Thr91Lys (NM_145891.3, NM_145892.3, NM_145893.3); short protein forms T71K, T91K, T114K.
Identifiers: ClinVar variation 1416580 (VCV001416580.8), dbSNP rs781081302, ClinGen allele CA394796655.

ClinVar aggregate classification (germline): Uncertain significance (1 of 4 stars; one submission).

Conditions:
Idiopathic generalized epilepsy. Also called: Generalised epilepsy; EIG. Identifiers: MedGen C0270850, MONDO:0005579, OMIM 600669.

Allele frequency attached by ClinVar (database versions not stated): gnomAD 0.00001; TOPMed 0.00001.
gnomAD v4.1: 4 of 1,613,810 alleles (0.00025%); highest among the groups gnomAD compares: African/African-American, 0.004%; no homozygotes.

Submission:

Labcorp Genetics (formerly Invitae), Labcorp
Classification: Uncertain significance for Idiopathic generalized epilepsy. Last evaluated: 2025-09-15. Review status: criteria provided, single submitter. Criteria: Invitae Variant Classification Sherloc (09022015). Collection method: clinical testing. Allele origin: germline.
Comment: This sequence change replaces threonine, which is neutral and polar, with lysine, which is basic and polar, at codon 91 of the RBFOX1 protein (p.Thr91Lys). This variant is not present in population databases (gnomAD no frequency). This variant has not been reported in the literature in individuals affected with RBFOX1-related conditions. ClinVar contains an entry for this variant (Variation ID: 1416580). Invitae Evidence Modeling of protein sequence and biophysical properties (such as structural, functional, and spatial information, amino acid conservation, physicochemical variation, residue mobility, and thermodynamic stability) indicates that this missense variant is not expected to disrupt RBFOX1 protein function with a negative predictive value of 80%. In summary, the available evidence is currently insufficient to determine the role of this variant in disease. Therefore, it has been classified as a Variant of Uncertain Significance.